The following is an entry in ClinVar:

ClinVar aggregate classification (germline): Uncertain significance (1 of 4 stars; one submission).

Submission:

Women's Health and Genetics/Laboratory Corporation of America, LabCorp
Classification: Uncertain significance. Last evaluated: 2024-06-13. Review status: criteria provided, single submitter. Criteria: LabCorp Variant Classification Summary - May 2015. Collection method: clinical testing. Allele origin: germline.
Comment: Variant summary: SMARCC2 c.2586_2600dup15 (p.Leu866_Ala870dup) results in an in-frame duplication that is predicted to duplicate 5 amino acids into the encoded protein. The variant was absent in 248908 control chromosomes. The available data on variant occurrences in the general population are insufficient to allow any conclusion about variant significance. To our knowledge, no occurrence of c.2586_2600dup15 in individuals affected with Coffin-Siris Syndrome 8 and no experimental evidence demonstrating its impact on protein function have been reported. No submitters have cited clinical-significance assessments for this variant to ClinVar. Based on the evidence outlined above, the variant was classified as uncertain significance.

NM_001330288.2(SMARCC2):c.2679_2693dup (p.Ala901_Val902insLeuAlaAlaAlaAla)

Gene: SMARCC2 (SWI/SNF related BAF chromatin remodeling complex subunit C2; minus strand). Cytogenetic location: 12q13.2.
Variant type: Duplication.
Coding change: c.2679_2693dup on transcript NM_001330288.2 (MANE Select); coding-DNA positions 2679 to 2693, 15 bases duplicated (TGCCGCCGCCCTGGC).
Protein change: p.Ala901_Val902insLeuAlaAlaAlaAla.
Molecular consequence: inframe insertion.
Genome position (GRCh38, 1-based): chr12:56,169,551-56,169,565, GCCAGGGCGGCGGCA duplicated on the plus strand (TGCCGCCGCCCTGGC on the coding strand, the reverse complement: SMARCC2 is on the minus strand); duplicating any 15 consecutive bases within chr12:56,169,551-56,169,567 gives the same sequence; the c. name uses the placement nearest the transcript's 3' end. VCF-style (leftmost placement, unchanged base first): chr12-56169550-G-GGCCAGGGCGGCGGCA. GRCh37 (hg19) VCF-style: chr12-56563334-G-GGCCAGGGCGGCGGCA.
Other names: c.2679_2693dup, p.Ala901_Val902insLeuAlaAlaAlaAla (NM_001130420.3, NM_139067.4); c.2586_2600dup, p.Ala870_Val871insLeuAlaAlaAlaAla (NM_003075.5); c.2586_2600dup15 (NM_003075.5).
Identifiers: ClinVar variation 3339554 (VCV003339554.1).
Genomic context (GRCh38, chr12:56,169,550, plus strand): 5'-GACATTTTCTTCCCTGAGGTCTTCAAGGTCTGGCCTCACCTTAGCTTTCACTGCGGCGGC[G>GGCCAGGGCGGCGGCA]GCCAGGGCGGCGGCAGCAGCGGTGGAGAGGTTGCCCTCGCCAATGTCCCGCTCCACCTTT-3'